The following is an entry in ClinVar:

NM_001330078.2(NRXN1):c.2110G>A (p.Gly704Arg)

Gene: NRXN1 (neurexin 1; minus strand). Cytogenetic location: 2p16.3.
Variant type: single nucleotide variant.
Coding change: c.2110G>A on transcript NM_001330078.2 (MANE Select); coding-DNA position 2110, G replaced by A.
Protein change: p.Gly704Arg; replaces glycine 704 with arginine.
Molecular consequence: missense variant.
Genome position (GRCh38, 1-based): chr2:50,538,286, C>T on the plus strand (G>A on the coding strand, the complement: NRXN1 is on the minus strand). VCF-style: chr2-50538286-C-T. GRCh37 (hg19) VCF-style: chr2-50765424-C-T.
Other names: p.G744R:GGA>AGA; c.2230G>A, p.Gly744Arg (NM_001135659.3); c.2086G>A, p.Gly696Arg (NM_001330077.2, NM_001330082.2, NM_001330095.2); c.2071G>A, p.Gly691Arg (NM_001330083.2, NM_001330084.2); c.2110G>A, p.Gly704Arg (NM_001330085.2, NM_001330086.2, NM_004801.6); c.2026G>A, p.Gly676Arg (NM_001330087.2, NM_001330096.2); c.2056G>A, p.Gly686Arg (NM_001330088.2); c.2107G>A, p.Gly703Arg (NM_001330093.2); and 1 more; short protein forms G744R, G691R, G704R, G696R, G703R, G686R, G676R, G700R.
Identifiers: ClinVar variation 206229 (VCV000206229.12), dbSNP rs757547387, ClinGen allele CA316107.
Genomic context (GRCh38, chr2:50,538,286, plus strand): 5'-TTGGCTGCTGGGGTTTTAGAATCCTACCTCTCTCACAGGACCTGCCAAGATAGCCTGTTC[C>T]GGAACAATCACAGACATATCTGTTCCACCCATCCCTGCACATGCCATTGTTTTTGCAAGG-3'
Protein context (NP_001317007.1, residues 694-714): GWNRYVCDCS[Gly704Arg]TGYLGRSCER

ClinVar aggregate classification (germline): Uncertain significance. Review status: criteria provided, multiple submitters, no conflicts (2 of 4 stars). 2 submissions from 2 submitters: Uncertain significance (2). Last evaluated 2025-12-01.

Conditions:
Pitt-Hopkins-like syndrome 2 (PTHSL2). Identifiers: Orphanet 221150, Orphanet 600663, MedGen C3280479, MONDO:0013690, OMIM 614325.

Allele frequency attached by ClinVar (database versions not stated): gnomAD 0.00001 and 0.00002; gnomAD exomes 0.00004 and 0.00015; TOPMed 0.00011; ExAC 0.00012.
gnomAD v4.1: 58 of 1,613,310 alleles (0.0036%); highest among the groups gnomAD compares: Admixed American, 0.042%; no homozygotes.

Submissions (2):

Labcorp Genetics (formerly Invitae), Labcorp
Classification: Uncertain significance for Pitt-Hopkins-like syndrome 2. Last evaluated: 2025-12-01. Review status: criteria provided, single submitter. Criteria: Invitae Variant Classification Sherloc (09022015). Collection method: clinical testing. Allele origin: germline.
Comment: This sequence change replaces glycine, which is neutral and non-polar, with arginine, which is basic and polar, at codon 744 of the NRXN1 protein (p.Gly744Arg). This variant is present in population databases (rs757547387, gnomAD 0.07%). This variant has not been reported in the literature in individuals affected with NRXN1-related conditions. ClinVar contains an entry for this variant (Variation ID: 206229). An algorithm developed to predict the effect of missense changes on protein structure and function (PolyPhen-2) suggests that this variant is likely to be disruptive. In summary, the available evidence is currently insufficient to determine the role of this variant in disease. Therefore, it has been classified as a Variant of Uncertain Significance.

GeneDx
Classification: Uncertain significance. Last evaluated: 2020-11-30. Review status: criteria provided, single submitter. Criteria: GeneDx Variant Classification Process June 2021. Collection method: clinical testing. Allele origin: germline. Affected: yes.
Comment: In silico analysis supports that this missense variant has a deleterious effect on protein structure/function; Missense variant in a gene in which most reported pathogenic variants are truncating/loss-of-function; Has not been previously published as pathogenic or benign to our knowledge